The following is an entry in ClinVar:

ClinVar aggregate classification (germline): Uncertain significance. Review status: criteria provided, multiple submitters, no conflicts (2 of 4 stars). 2 submissions from 2 submitters: Uncertain significance (2). Last evaluated 2020-09-30.

Conditions:
Cardiomyopathy (CMYO). Also called: Cardiomyopathies. Identifiers: Orphanet 167848, MedGen C0878544, MONDO:0004994, HP:0001638. Inheritance: Various modes of inheritance.

Submissions (2):

Laboratory for Molecular Medicine, Mass General Brigham Personalized Medicine
Classification: Uncertain significance. Last evaluated: 2020-09-30. Review status: criteria provided, single submitter. Criteria: LMM Criteria. Collection method: clinical testing. Allele origin: germline. Inheritance: Autosomal dominant inheritance. Observed: 6 variant alleles.
Comment: Variant classified as Uncertain Significance - Favor Pathogenic. It was absent from large population studies. Computational prediction tools and conservation analyses do not provide strong support for or against an impact to the protein. This variant lies in the head region of the protein and missense variants in this region are statistically more likely to be disease-associated (Walsh 2017 PMID: 27532257). In summary, while there is some suspicion for a pathogenic role, the clinical significance of this variant is uncertain. ACMG/AMP Criteria applied: PP1, PM2, PM1.

CHEO Genetics Diagnostic Laboratory, Children's Hospital of Eastern Ontario
Classification: Uncertain significance for Cardiomyopathy. Last evaluated: 2020-08-21. Review status: criteria provided, single submitter. Criteria: ACMG Guidelines, 2015. Collection method: clinical testing. Allele origin: germline.

NM_000257.4(MYH7):c.1003G>T (p.Ala335Ser)

Gene: MYH7 (myosin heavy chain 7; minus strand). Cytogenetic location: 14q11.2.
Variant type: single nucleotide variant.
Coding change: c.1003G>T on transcript NM_000257.4 (MANE Select); coding-DNA position 1003, G replaced by T.
Protein change: p.Ala335Ser; replaces alanine 335 with serine.
Molecular consequence: missense variant.
Genome position (GRCh38, 1-based): chr14:23,429,910, C>A on the plus strand (G>T on the coding strand, the complement: MYH7 is on the minus strand). VCF-style: chr14-23429910-C-A. GRCh37 (hg19) VCF-style: chr14-23899119-C-A.
Other names: short protein forms A335S.
Identifiers: ClinVar variation 164382 (VCV000164382.7), dbSNP rs727503272, ClinGen allele CA010052.